The following is an entry in ClinVar:

ClinVar aggregate classification (germline): Uncertain significance (1 of 4 stars; one submission).

Submission:

Labcorp Genetics (formerly Invitae), Labcorp
Classification: Uncertain significance. Last evaluated: 2023-09-23. Review status: criteria provided, single submitter. Criteria: Invitae Variant Classification Sherloc (09022015). Collection method: clinical testing. Allele origin: germline.
Comment: In summary, the available evidence is currently insufficient to determine the role of this variant in disease. Therefore, it has been classified as a Variant of Uncertain Significance. Advanced modeling of protein sequence and biophysical properties (such as structural, functional, and spatial information, amino acid conservation, physicochemical variation, residue mobility, and thermodynamic stability) performed at Invitae indicates that this missense variant is not expected to disrupt THBD protein function. This variant has not been reported in the literature in individuals affected with THBD-related conditions. This variant is not present in population databases (gnomAD no frequency). This sequence change replaces alanine, which is neutral and non-polar, with serine, which is neutral and polar, at codon 395 of the THBD protein (p.Ala395Ser).

NM_000361.3(THBD):c.1183G>T (p.Ala395Ser)

Gene: THBD (thrombomodulin; minus strand). Cytogenetic location: 20p11.21.
Variant type: single nucleotide variant.
Coding change: c.1183G>T on transcript NM_000361.3 (MANE Select); coding-DNA position 1183, G replaced by T.
Protein change: p.Ala395Ser; replaces alanine 395 with serine.
Molecular consequence: missense variant.
Genome position (GRCh38, 1-based): chr20:23,048,322, C>A on the plus strand (G>T on the coding strand, the complement: THBD is on the minus strand). VCF-style: chr20-23048322-C-A. GRCh37 (hg19) VCF-style: chr20-23028959-C-A.
Other names: short protein forms A395S.
Identifiers: ClinVar variation 3014662 (VCV003014662.3), dbSNP rs2515203655, ClinGen allele CA408406081.